The following is an entry in ClinVar:

ClinVar aggregate classification (germline): Uncertain significance (1 of 4 stars; one submission).

Allele frequency attached by ClinVar (database versions not stated): gnomAD exomes 0.00005 and 0.00011; 1000 Genomes Project 0.00020; ExAC 0.00013; 1000 Genomes Project 30x 0.00047; gnomAD below 0.00001 and 0.00002.
gnomAD v4.1: 67 of 1,612,128 alleles (0.0042%); highest among the groups gnomAD compares: South Asian, 0.073%; 1 homozygote.

Submission:

Labcorp Genetics (formerly Invitae), Labcorp
Classification: Uncertain significance. Last evaluated: 2019-12-31. Review status: criteria provided, single submitter. Criteria: Invitae Variant Classification Sherloc (09022015). Collection method: clinical testing. Allele origin: germline.
Comment: In summary, the available evidence is currently insufficient to determine the role of this variant in disease. Therefore, it has been classified as a Variant of Uncertain Significance. Algorithms developed to predict the effect of missense changes on protein structure and function output the following: SIFT: "Tolerated"; PolyPhen-2: "Benign"; Align-GVGD: "Class C0". The isoleucine amino acid residue is found in multiple mammalian species, suggesting that this missense change does not adversely affect protein function. These predictions have not been confirmed by published functional studies and their clinical significance is uncertain. This variant has not been reported in the literature in individuals with FLVCR1-related conditions. This variant is present in population databases (rs574905795, ExAC 0.1%). This sequence change replaces methionine with isoleucine at codon 501 of the FLVCR1 protein (p.Met501Ile). The methionine residue is moderately conserved and there is a small physicochemical difference between methionine and isoleucine.

NM_014053.4(FLVCR1):c.1503G>A (p.Met501Ile)

Gene: FLVCR1 (FLVCR choline and heme transporter 1; plus strand). Cytogenetic location: 1q32.3.
Variant type: single nucleotide variant.
Coding change: c.1503G>A on transcript NM_014053.4 (MANE Select); coding-DNA position 1503, G replaced by A.
Protein change: p.Met501Ile; replaces methionine 501 with isoleucine.
Molecular consequence: missense variant.
Genome position (GRCh38, 1-based): chr1:212,889,235, G>A. VCF-style: chr1-212889235-G-A. GRCh37 (hg19) VCF-style: chr1-213062577-G-A.
Other names: short protein forms M501I.
Identifiers: ClinVar variation 855042 (VCV000855042.10), dbSNP rs574905795, ClinGen allele CA1386161.